The following is an entry in ClinVar:

ClinVar aggregate classification (germline): Pathogenic (1 of 4 stars; one submission).

Submission:

Labcorp Genetics (formerly Invitae), Labcorp
Classification: Pathogenic. Last evaluated: 2023-11-04. Review status: criteria provided, single submitter. Criteria: Invitae Variant Classification Sherloc (09022015). Collection method: clinical testing. Allele origin: germline.
Comment: This sequence change creates a premature translational stop signal (p.Ser501Aspfs*11) in the BEST1 gene. It is expected to result in an absent or disrupted protein product. Loss-of-function variants in BEST1 are known to be pathogenic (PMID: 21825197). This variant is not present in population databases (gnomAD no frequency). This variant has not been reported in the literature in individuals affected with BEST1-related conditions. For these reasons, this variant has been classified as Pathogenic.

Literature cited by the submitters: PubMed 21825197.

NM_004183.4(BEST1):c.1501_1508del (p.Ser501fs)

Gene: BEST1 (bestrophin 1; plus strand). Cytogenetic location: 11q12.3.
Variant type: Deletion.
Coding change: c.1501_1508del on transcript NM_004183.4 (MANE Select); coding-DNA positions 1501 to 1508, 8 bases deleted (AGCTTAAA; older notation c.1501_1508delAGCTTAAA).
Protein change: p.Ser501fs; shifts the reading frame from serine 501.
Molecular consequence: frameshift variant. On other transcripts: non-coding transcript variant (1).
Genome position (GRCh38, 1-based): chr11:61,962,655-61,962,662, AGCTTAAA deleted; deleting any 8 consecutive bases within chr11:61,962,652-61,962,662 gives the same sequence; the c. name uses the placement nearest the transcript's 3' end. VCF-style (leftmost placement, unchanged base first): chr11-61962651-CAAAAGCTT-C. GRCh37 (hg19) VCF-style: chr11-61730123-CAAAAGCTT-C.
Other names: c.1321_1328delAGCTTAAA, p.Ser441Aspfs (NM_001139443.3); c.1240_1247del, p.Ser414fs (NM_001300786.2); c.1321_1328del, p.Ser441fs (NM_001300787.2); c.1183_1190delAGCTTAAA, p.Ser395Aspfs (NM_001363591.3); c.*396_*403delAGCTTAAA (NM_001363592.2); c.529_536delAGCTTAAA, p.Ser177Aspfs (NM_001363593.3); short protein forms S414fs, S441fs, S177fs, S395fs, S501fs.
Identifiers: ClinVar variation 2800660 (VCV002800660.3), dbSNP rs2541415623, ClinGen allele CA2739265949.